The following is an entry in ClinVar:

NM_000660.7(TGFB1):c.386A>G (p.His129Arg)

Gene: TGFB1 (transforming growth factor beta 1; minus strand). Cytogenetic location: 19q13.2.
Variant type: single nucleotide variant.
Coding change: c.386A>G on transcript NM_000660.7 (MANE Select); coding-DNA position 386, A replaced by G.
Protein change: p.His129Arg; replaces histidine 129 with arginine.
Molecular consequence: missense variant.
Genome position (GRCh38, 1-based): chr19:41,348,425, T>C on the plus strand (A>G on the coding strand, the complement: TGFB1 is on the minus strand). VCF-style: chr19-41348425-T-C. GRCh37 (hg19) VCF-style: chr19-41854330-T-C.
Other names: short protein forms H129R.
Identifiers: ClinVar variation 1438953 (VCV001438953.6), dbSNP rs2123108844, ClinGen allele CA406003769.

ClinVar aggregate classification (germline): Uncertain significance (1 of 4 stars; one submission).

Allele frequency attached by ClinVar (database versions not stated): gnomAD exomes below 0.00001.

Submission:

Labcorp Genetics (formerly Invitae), Labcorp
Classification: Uncertain significance. Last evaluated: 2024-10-22. Review status: criteria provided, single submitter. Criteria: Invitae Variant Classification Sherloc (09022015). Collection method: clinical testing. Allele origin: germline.
Comment: This sequence change replaces histidine, which is basic and polar, with arginine, which is basic and polar, at codon 129 of the TGFB1 protein (p.His129Arg). This variant is not present in population databases (gnomAD no frequency). This variant has not been reported in the literature in individuals affected with TGFB1-related conditions. ClinVar contains an entry for this variant (Variation ID: 1438953). Invitae Evidence Modeling of protein sequence and biophysical properties (such as structural, functional, and spatial information, amino acid conservation, physicochemical variation, residue mobility, and thermodynamic stability) indicates that this missense variant is not expected to disrupt TGFB1 protein function with a negative predictive value of 80%. In summary, the available evidence is currently insufficient to determine the role of this variant in disease. Therefore, it has been classified as a Variant of Uncertain Significance.